The following is an entry in ClinVar:

ClinVar aggregate classification (germline): Likely benign. Review status: criteria provided, multiple submitters, no conflicts (2 of 4 stars). 2 submissions from 2 submitters: Likely benign (2). Last evaluated 2025-08-15.

Conditions:
TBCE-related disorder. Also called: TBCE-related disorders; TBCE-related condition.

Allele frequency attached by ClinVar (database versions not stated): TOPMed 0.00001; gnomAD 0.00002; gnomAD exomes 0.00003.
gnomAD v4.1: 45 of 1,614,052 alleles (0.0028%); highest among the groups gnomAD compares: Non-Finnish European, 0.0036%; no homozygotes.

Submissions (2):

PreventionGenetics, part of Exact Sciences
Classification: Likely benign for TBCE-related condition. Last evaluated: 2025-08-15. Review status: criteria provided, single submitter. Criteria: ACMG Guidelines, 2015. Collection method: clinical testing. Allele origin: germline.
Comment: This variant is classified as likely benign based on ACMG/AMP sequence variant interpretation guidelines (Richards et al. 2015 PMID: 25741868, with internal and published modifications).

Labcorp Genetics (formerly Invitae), Labcorp
Classification: Likely benign. Last evaluated: 2024-03-21. Review status: criteria provided, single submitter. Criteria: Invitae Variant Classification Sherloc (09022015). Collection method: clinical testing. Allele origin: germline.

NM_003193.5(TBCE):c.813T>C (p.Tyr271=)

Gene: TBCE (tubulin folding cofactor E; plus strand). Cytogenetic location: 1q42.3.
Variant type: single nucleotide variant.
Coding change: c.813T>C on transcript NM_003193.5 (MANE Select); coding-DNA position 813, T replaced by C.
Protein change: p.Tyr271=; no amino-acid change (tyrosine 271 retained).
Molecular consequence: synonymous variant.
Genome position (GRCh38, 1-based): chr1:235,435,820, T>C. VCF-style: chr1-235435820-T-C. GRCh37 (hg19) VCF-style: chr1-235599135-T-C.
Other names: c.966T>C (NM_001287801.1); c.813T>C, p.Tyr271= (NM_001079515.3); c.966T>C, p.Tyr322= (NM_001287801.2); c.474T>C, p.Tyr158= (NM_001287802.2).
Identifiers: ClinVar variation 2794193 (VCV002794193.4), dbSNP rs758340135, ClinGen allele CA39586812.